The following is an entry in ClinVar:

ClinVar aggregate classification (germline): Uncertain significance. Review status: criteria provided, multiple submitters, no conflicts (2 of 4 stars). 2 submissions from 2 submitters: Uncertain significance (2). Last evaluated 2024-12-17.

Conditions:
Hereditary cancer-predisposing syndrome. Also called: Hereditary Cancer Syndrome; Tumor predisposition; Hereditary neoplastic syndrome; Neoplastic Syndromes, Hereditary. Identifiers: Orphanet 140162, MedGen C0027672, MeSH D009386, MONDO:0015356.
Renal cell carcinoma. Identifiers: Orphanet 217071, MedGen C0007134, MeSH D002292, MONDO:0005086, HP:0005584.

gnomAD v4.1: 1 of 1,614,104 alleles (0.000062%); highest among the groups gnomAD compares: African/African-American, 0.0013%; no homozygotes.

Submissions (2):

Labcorp Genetics (formerly Invitae), Labcorp
Classification: Uncertain significance for Renal cell carcinoma. Last evaluated: 2024-12-17. Review status: criteria provided, single submitter. Criteria: Invitae Variant Classification Sherloc (09022015). Collection method: clinical testing. Allele origin: germline.
Comment: This sequence change replaces leucine, which is neutral and non-polar, with arginine, which is basic and polar, at codon 824 of the MET protein (p.Leu824Arg). This variant is not present in population databases (gnomAD no frequency). This variant has not been reported in the literature in individuals affected with MET-related conditions. Invitae Evidence Modeling of protein sequence and biophysical properties (such as structural, functional, and spatial information, amino acid conservation, physicochemical variation, residue mobility, and thermodynamic stability) indicates that this missense variant is expected to disrupt MET protein function with a positive predictive value of 80%. In summary, the available evidence is currently insufficient to determine the role of this variant in disease. Therefore, it has been classified as a Variant of Uncertain Significance.

Ambry Genetics
Classification: Uncertain significance for Hereditary cancer-predisposing syndrome. Last evaluated: 2024-07-23. Review status: criteria provided, single submitter. Criteria: Ambry Variant Classification Scheme 2023. Collection method: clinical testing. Allele origin: germline.
Comment: The p.L824R variant (also known as c.2471T>G), located in coding exon 10 of the MET gene, results from a T to G substitution at nucleotide position 2471. The leucine at codon 824 is replaced by arginine, an amino acid with dissimilar properties. This amino acid position is conserved. In addition, this alteration is predicted to be deleterious by in silico analysis. Based on the available evidence, the clinical significance of this variant remains unclear.

NM_000245.4(MET):c.2417T>G (p.Leu806Arg)

Gene: MET (MET proto-oncogene, receptor tyrosine kinase; plus strand). Cytogenetic location: 7q31.2.
Variant type: single nucleotide variant.
Coding change: c.2417T>G on transcript NM_000245.4 (MANE Select); coding-DNA position 2417, T replaced by G.
Protein change: p.Leu806Arg; replaces leucine 806 with arginine.
Molecular consequence: missense variant.
Genome position (GRCh38, 1-based): chr7:116,763,102, T>G. VCF-style: chr7-116763102-T-G. GRCh37 (hg19) VCF-style: chr7-116403156-T-G.
Other names: c.2471T>G, p.Leu824Arg (NM_001127500.3); c.2417T>G, p.Leu806Arg (NM_001324401.3); c.1127T>G, p.Leu376Arg (NM_001324402.2); short protein forms L376R, L806R, L824R.
Identifiers: ClinVar variation 3395116 (VCV003395116.3).